The following is an entry in ClinVar:

ClinVar aggregate classification (germline): Uncertain significance. Review status: criteria provided, multiple submitters, no conflicts (2 of 4 stars). 3 submissions from 3 submitters: Uncertain significance (3). Last evaluated 2025-04-16.

Allele frequency attached by ClinVar (database versions not stated): gnomAD exomes below 0.00001; TOPMed below 0.00001; ExAC 0.00001; gnomAD 0.00001; ESP Exome Variant Server 0.00008.
gnomAD v4.1: 4 of 1,613,852 alleles (0.00025%); highest among the groups gnomAD compares: Admixed American, 0.0017%; no homozygotes.

Submissions (3):

Women's Health and Genetics/Laboratory Corporation of America, LabCorp
Classification: Uncertain significance. Last evaluated: 2025-04-16. Review status: criteria provided, single submitter. Criteria: LabCorp Variant Classification Summary - May 2015. Collection method: clinical testing. Allele origin: germline.
Comment: Variant summary: ABCA3 c.4271C>T (p.Thr1424Met) results in a non-conservative amino acid change in the encoded protein sequence. Five of five in-silico tools predict a damaging effect of the variant on protein function. The variant allele was found at a frequency of 4e-06 in 251384 control chromosomes. The available data on variant occurrences in the general population are insufficient to allow any conclusion about variant significance. c.4271C>T has been observed in the presumed compound heterozygous state in at least 1 individual(s) affected with Pulmonary surfactant metabolism dysfunction (example, Xu_2022). These data do not allow any conclusion about variant significance. To our knowledge, no experimental evidence demonstrating an impact on protein function has been reported. The following publications have been ascertained in the context of this evaluation (PMID: 35170262, 23166334). ClinVar contains an entry for this variant (Variation ID: 1522085). Based on the evidence outlined above, the variant was classified as uncertain significance.

GeneDx
Classification: Uncertain significance. Last evaluated: 2022-03-24. Review status: criteria provided, single submitter. Criteria: GeneDx Variant Classification Process June 2021. Collection method: clinical testing. Allele origin: germline. Affected: yes.
Comment: Not observed at significant frequency in large population cohorts (gnomAD); In silico analysis supports that this missense variant has a deleterious effect on protein structure/function; Has not been previously published as pathogenic or benign to our knowledge

Labcorp Genetics (formerly Invitae), Labcorp
Classification: Uncertain significance. Last evaluated: 2021-04-29. Review status: criteria provided, single submitter. Criteria: Invitae Variant Classification Sherloc (09022015). Collection method: clinical testing. Allele origin: germline.
Comment: In summary, the available evidence is currently insufficient to determine the role of this variant in disease. Therefore, it has been classified as a Variant of Uncertain Significance. Algorithms developed to predict the effect of missense changes on protein structure and function are either unavailable or do not agree on the potential impact of this missense change (SIFT: "Deleterious"; PolyPhen-2: "Probably Damaging"; Align-GVGD: "Class C15"). This variant has not been reported in the literature in individuals with ABCA3-related conditions. This variant is present in population databases (rs369872536, ExAC 0.009%). This sequence change replaces threonine with methionine at codon 1424 of the ABCA3 protein (p.Thr1424Met). The threonine residue is highly conserved and there is a moderate physicochemical difference between threonine and methionine.

Literature cited by the submitters: PubMed 35170262 (cited by Women's Health and Genetics/Laboratory Corporation of America, LabCorp).

NM_001089.3(ABCA3):c.4271C>T (p.Thr1424Met)

Gene: ABCA3 (ATP binding cassette subfamily A member 3; minus strand). Cytogenetic location: 16p13.3.
Variant type: single nucleotide variant.
Coding change: c.4271C>T on transcript NM_001089.3 (MANE Select); coding-DNA position 4271, C replaced by T.
Protein change: p.Thr1424Met; replaces threonine 1424 with methionine.
Molecular consequence: missense variant.
Genome position (GRCh38, 1-based): chr16:2,281,115, G>A on the plus strand (C>T on the coding strand, the complement: ABCA3 is on the minus strand). VCF-style: chr16-2281115-G-A. GRCh37 (hg19) VCF-style: chr16-2331116-G-A.
Other names: short protein forms T1424M.
Identifiers: ClinVar variation 1522085 (VCV001522085.11), dbSNP rs369872536, ClinGen allele CA7840182.